The following is an entry in ClinVar:

NM_000787.4(DBH):c.1795_1824dup (p.Thr608_Val609insSerGlnGlyArgSerProAlaGlyProThr)

Gene: DBH (dopamine beta-hydroxylase; plus strand). Cytogenetic location: 9q34.2.
Variant type: Duplication.
Coding change: c.1795_1824dup on transcript NM_000787.4 (MANE Select); coding-DNA positions 1795 to 1824, 30 bases duplicated (AGCCAGGGCCGAAGCCCTGCTGGCCCCACC).
Protein change: p.Thr608_Val609insSerGlnGlyArgSerProAlaGlyProThr.
Molecular consequence: inframe insertion.
Genome position (GRCh38, 1-based): chr9:133,658,388-133,658,417, AGCCAGGGCCGAAGCCCTGCTGGCCCCACC duplicated; duplicating any 30 consecutive bases within chr9:133,658,380-133,658,417 gives the same sequence; the c. name uses the placement nearest the transcript's 3' end. VCF-style (leftmost placement, unchanged base first): chr9-133658379-T-TGCCCCACCAGCCAGGGCCGAAGCCCTGCTG. GRCh37 (hg19) VCF-style: chr9-136523501-T-TGCCCCACCAGCCAGGGCCGAAGCCCTGCTG.
Identifiers: ClinVar variation 2968763 (VCV002968763.3), dbSNP rs1448260713, ClinGen allele CA860782483.

ClinVar aggregate classification (germline): Uncertain significance (1 of 4 stars; one submission).

Conditions:
Orthostatic hypotension 1 (ORTHYP1). Also called: Dopamine beta-hydroxylase deficiency; Orthostatic hypotension 1, due to DBH deficiency; NORADRENALINE DEFICIENCY; NOREPINEPHRINE DEFICIENCY. Identifiers: Orphanet 230, MedGen C4746777, MONDO:0009123, OMIM 223360.

Submission:

Labcorp Genetics (formerly Invitae), Labcorp
Classification: Uncertain significance for Orthostatic hypotension 1. Last evaluated: 2023-04-11. Review status: criteria provided, single submitter. Criteria: Invitae Variant Classification Sherloc (09022015). Collection method: clinical testing. Allele origin: germline.
Comment: In summary, the available evidence is currently insufficient to determine the role of this variant in disease. Therefore, it has been classified as a Variant of Uncertain Significance. This variant, c.1795_1824dup, results in the insertion of 10 amino acid(s) of the DBH protein (p.Ser599_Thr608dup), but otherwise preserves the integrity of the reading frame. This variant is not present in population databases (gnomAD no frequency). This variant has not been reported in the literature in individuals affected with DBH-related conditions. Experimental studies and prediction algorithms are not available or were not evaluated, and the functional significance of this variant is currently unknown.